The following is an entry in ClinVar:

NM_000051.4(ATM):c.2135C>A (p.Ser712Ter)

Gene: ATM (ATM serine/threonine kinase; plus strand). Cytogenetic location: 11q22.3.
Variant type: single nucleotide variant.
Coding change: c.2135C>A on transcript NM_000051.4 (MANE Select); coding-DNA position 2135, C replaced by A.
Protein change: p.Ser712Ter; replaces serine 712 with a stop codon.
Molecular consequence: nonsense.
Genome position (GRCh38, 1-based): chr11:108,256,225, C>A. VCF-style: chr11-108256225-C-A. GRCh37 (hg19) VCF-style: chr11-108126952-C-A.
Other names: c.2135C>A, p.Ser712Ter (NM_001351834.2); short protein forms S712*.
Identifiers: ClinVar variation 2735743 (VCV002735743.7), dbSNP rs1057516620, ClinGen allele CA382538674.
Genomic context (GRCh38, chr11:108,256,225, plus strand): 5'-ACTAAATTATTTATGAAATATATATATTTTTATTTGTGGTTTACTTTAAGATTACAAATT[C>A]AGAAACTCTTGTCCGGTGTTCACGTCTTTTGGTGGGTGTCCTTGGCTGCTACTGTTACAT-3'

ClinVar aggregate classification (germline): Pathogenic/Likely pathogenic. Review status: criteria provided, multiple submitters, no conflicts (2 of 4 stars). 5 submissions from 5 submitters: Pathogenic (4); Likely pathogenic (1). Last evaluated 2024-04-01.

Conditions:
Ataxia-telangiectasia syndrome (AT). Also called: Cerebello-oculocutaneous telangiectasia; Immunodeficiency with ataxia telangiectasia; Ataxia telangiectasia (A-T); Ataxia-telangiectasia, complementation group E; LOUIS-BAR SYNDROME; Ataxia-telangiectasia, complementation group D. Identifiers: Orphanet 100, MedGen C0004135, MONDO:0008840, OMIM 208900.
Hereditary cancer-predisposing syndrome. Also called: Hereditary neoplastic syndrome; Hereditary Cancer Syndrome; Neoplastic Syndromes, Hereditary; Tumor predisposition. Identifiers: Orphanet 140162, MedGen C0027672, MeSH D009386, MONDO:0015356.
Familial cancer of breast. Also called: hereditary breast carcinoma; BREAST CANCER, FAMILIAL; Hereditary breast cancer. Identifiers: Orphanet 227535, MedGen C0346153, MONDO:0016419, OMIM 114480. Disease mechanism: loss of function.

Submissions (5):

Ambry Genetics
Classification: Pathogenic for Hereditary cancer-predisposing syndrome. Last evaluated: 2024-04-01. Review status: criteria provided, single submitter. Criteria: Ambry Variant Classification Scheme 2023. Collection method: clinical testing. Allele origin: germline.
Comment: The p.S712* pathogenic mutation (also known as c.2135C>A), located in coding exon 13 of the ATM gene, results from a C to A substitution at nucleotide position 2135. This changes the amino acid from a serine to a stop codon within coding exon 13. This alteration has been reported, in conjunction with a second truncating ATM variant, in a patient with ataxia-telangiectasia (Micol R et al. J Allergy Clin Immunol, 2011 Aug;128:382-9.e1). This variant is considered to be rare based on population cohorts in the Genome Aggregation Database (gnomAD). In addition to the clinical data presented in the literature, this alteration is expected to result in loss of function by premature protein truncation or nonsense-mediated mRNA decay. As such, this alteration is interpreted as a disease-causing mutation.

Laboratory of Medical Genetics, National & Kapodistrian University of Athens
Classification: Likely pathogenic for Ataxia-telangiectasia syndrome. Last evaluated: 2024-02-01. Review status: criteria provided, single submitter. Criteria: ACMG Guidelines, 2015. Collection method: curation. Allele origin: germline. Affected: no.

Myriad Genetics, Inc.
Classification: Pathogenic for Familial cancer of breast. Last evaluated: 2024-01-17. Review status: criteria provided, single submitter. Criteria: Myriad Autosomal Dominant, Autosomal Recessive and X-Linked Classification Criteria (2023). Collection method: clinical testing. Allele origin: unknown.
Comment: This variant is considered pathogenic. This variant creates a termination codon and is predicted to result in premature protein truncation.

Color Diagnostics, LLC DBA Color Health
Classification: Pathogenic for Hereditary cancer-predisposing syndrome. Last evaluated: 2023-07-31. Review status: criteria provided, single submitter. Criteria: ACMG Guidelines, 2015. Collection method: clinical testing. Allele origin: germline.
Comment: This variant changes 1 nucleotide in exon 14 of the ATM gene, creating a premature translation stop signal. This variant is expected to result in an absent or non-functional protein product. This variant has been reported in an individual affected with ataxia-telangiectasia who also carried another pathogenic variant in ATM (PMID: 21665257). This variant has not been identified in the general population by the Genome Aggregation Database (gnomAD). Loss of ATM function is a known mechanism of disease. Based on the available evidence, this variant is classified as Pathogenic.

Labcorp Genetics (formerly Invitae), Labcorp
Classification: Pathogenic for Ataxia-telangiectasia syndrome. Last evaluated: 2023-06-17. Review status: criteria provided, single submitter. Criteria: Invitae Variant Classification Sherloc (09022015). Collection method: clinical testing. Allele origin: germline.
Comment: This premature translational stop signal has been observed in individual(s) with ATM-related conditions (PMID: 21665257, 25122203). For these reasons, this variant has been classified as Pathogenic. This variant is not present in population databases (gnomAD no frequency). This sequence change creates a premature translational stop signal (p.Ser712*) in the ATM gene. It is expected to result in an absent or disrupted protein product. Loss-of-function variants in ATM are known to be pathogenic (PMID: 23807571, 25614872).

Literature cited by the submitters: PubMed 21665257 (cited by 3 submitters); PubMed 25122203 (cited by Labcorp Genetics (formerly Invitae), Labcorp); PubMed 23807571 (cited by Labcorp Genetics (formerly Invitae), Labcorp); PubMed 25614872 (cited by Labcorp Genetics (formerly Invitae), Labcorp).